The following is an entry in ClinVar:

NM_152464.3(VMA12):c.284G>A (p.Arg95Gln)

Gene: VMA12 (vacuolar ATPase assembly factor VMA12; plus strand). Cytogenetic location: 17q11.2.
Variant type: single nucleotide variant.
Coding change: c.284G>A on transcript NM_152464.3 (MANE Select); coding-DNA position 284, G replaced by A.
Protein change: p.Arg95Gln; replaces arginine 95 with glutamine.
Molecular consequence: missense variant.
Genome position (GRCh38, 1-based): chr17:28,358,988, G>A. VCF-style: chr17-28358988-G-A. GRCh37 (hg19) VCF-style: chr17-26686011-G-A.
Other names: short protein forms R95Q.
Identifiers: ClinVar variation 1509259 (VCV001509259.6), dbSNP rs201975015, ClinGen allele CA8457022.

ClinVar aggregate classification (germline): Uncertain significance (1 of 4 stars; one submission).

Allele frequency attached by ClinVar (database versions not stated): TOPMed 0.00004; ExAC 0.00005; gnomAD 0.00006; ESP Exome Variant Server 0.00008; 1000 Genomes Project 30x 0.00016; 1000 Genomes Project 0.00020.
gnomAD v4.1: 139 of 1,610,216 alleles (0.0086%); highest among the groups gnomAD compares: Non-Finnish European, 0.011%; no homozygotes.

Submission:

Labcorp Genetics (formerly Invitae), Labcorp
Classification: Uncertain significance. Last evaluated: 2024-05-24. Review status: criteria provided, single submitter. Criteria: Invitae Variant Classification Sherloc (09022015). Collection method: clinical testing. Allele origin: germline.
Comment: This sequence change replaces arginine, which is basic and polar, with glutamine, which is neutral and polar, at codon 95 of the TMEM199 protein (p.Arg95Gln). This variant is present in population databases (rs201975015, gnomAD 0.01%). This variant has not been reported in the literature in individuals affected with TMEM199-related conditions. ClinVar contains an entry for this variant (Variation ID: 1509259). An algorithm developed to predict the effect of missense changes on protein structure and function (PolyPhen-2) suggests that this variant is likely to be disruptive. In summary, the available evidence is currently insufficient to determine the role of this variant in disease. Therefore, it has been classified as a Variant of Uncertain Significance.